The following is an entry in ClinVar:

ClinVar aggregate classification (germline): Pathogenic (1 of 4 stars; one submission).

Submission:

Labcorp Genetics (formerly Invitae), Labcorp
Classification: Pathogenic. Last evaluated: 2022-07-22. Review status: criteria provided, single submitter. Criteria: Invitae Variant Classification Sherloc (09022015). Collection method: clinical testing. Allele origin: germline.
Comment: This sequence change creates a premature translational stop signal (p.Arg558Profs*48) in the WFS1 gene. While this is not anticipated to result in nonsense mediated decay, it is expected to disrupt the last 333 amino acid(s) of the WFS1 protein. This variant is not present in population databases (gnomAD no frequency). This variant has not been observed in the literature in individuals with autosomal recessive WFS1-related conditions. This variant has been reported in individual(s) with autosomal dominant deafness (Invitae); however, the role of the variant in this condition is currently unclear. This variant disrupts a region of the WFS1 protein in which other variant(s) (p.Pro885Leu) have been determined to be pathogenic (PMID: 10521293, 16806192, 28432734). This suggests that this is a clinically significant region of the protein, and that variants that disrupt it are likely to be disease-causing. For these reasons, this variant has been classified as Pathogenic.

Literature cited by the submitters: PubMed 10521293; PubMed 16806192; PubMed 28432734.

NM_006005.3(WFS1):c.1670_1671insA (p.Arg558fs)

Gene: WFS1 (wolframin ER transmembrane glycoprotein; plus strand). Cytogenetic location: 4p16.1.
Variant type: Insertion.
Coding change: c.1670_1671insA on transcript NM_006005.3 (MANE Select); coding-DNA positions 1670 to 1671, A inserted.
Protein change: p.Arg558fs; shifts the reading frame from arginine 558.
Molecular consequence: frameshift variant.
Genome position: GRCh38 VCF-style: chr4-6301465-T-TA. GRCh37 (hg19) VCF-style: chr4-6303192-T-TA.
Other names: c.1670_1671insA, p.Arg558fs (NM_001145853.1); short protein forms R558fs.
Identifiers: ClinVar variation 2018930 (VCV002018930.4), dbSNP rs2474194498, ClinGen allele CA2580071777.